The following is an entry in ClinVar:

NM_001267550.2(TTN):c.6678_6681del (p.Lys2227fs)

Gene: TTN (titin; minus strand). Cytogenetic location: 2q31.2.
Variant type: Deletion.
Coding change: c.6678_6681del on transcript NM_001267550.2 (MANE Select); coding-DNA positions 6678 to 6681, 4 bases deleted (AAAG; older notation c.6678_6681delAAAG).
Protein change: p.Lys2227fs; shifts the reading frame from lysine 2227.
Molecular consequence: frameshift variant.
Genome position (GRCh38, 1-based): chr2:178,775,030-178,775,033, CTTT deleted on the plus strand (AAAG on the coding strand, the reverse complement: TTN is on the minus strand); deleting any 4 consecutive bases within chr2:178,775,030-178,775,035 gives the same sequence; the c. name uses the placement nearest the transcript's 3' end. VCF-style (leftmost placement, unchanged base first): chr2-178775029-CCTTT-C. GRCh37 (hg19) VCF-style: chr2-179639756-CCTTT-C.
Other names: c.6678_6681delAAAG (NM_133378.4); c.6678_6681del, p.Lys2227fs (NM_001256850.1, NM_133378.4, NM_133379.5); c.6540_6543del, p.Lys2181fs (NM_003319.4, NM_133432.3, NM_133437.4); short protein forms K2227fs, K2181fs.
Identifiers: ClinVar variation 47327 (VCV000047327.15), dbSNP rs397517698, ClinGen allele CA261908.

ClinVar aggregate classification (germline): Likely pathogenic. Review status: criteria provided, multiple submitters, no conflicts (2 of 4 stars). 2 submissions from 2 submitters: Likely pathogenic (2). Last evaluated 2024-04-01.

Conditions:
Dilated cardiomyopathy 1G (CMD1G). Identifiers: Orphanet 154, MedGen C1858763, MONDO:0011400, OMIM 604145.
Autosomal recessive limb-girdle muscular dystrophy type 2J (LGMDR10). Also called: Limb-girdle muscular dystrophy, type 2J; MUSCULAR DYSTROPHY, LIMB-GIRDLE, AUTOSOMAL RECESSIVE 10. Identifiers: Orphanet 140922, MedGen C1837342, MONDO:0012127, OMIM 608807.
Primary dilated cardiomyopathy (DCM). Also called: Dilated Cardiomyopathy. Identifiers: Orphanet 217604, MedGen C0007193, MeSH D002311, MONDO:0005021, HP:0001644. Inheritance: Various modes of inheritance.

Submissions (2):

Labcorp Genetics (formerly Invitae), Labcorp
Classification: Likely pathogenic for Dilated cardiomyopathy 1G; Autosomal recessive limb-girdle muscular dystrophy type 2J. Last evaluated: 2024-04-01. Review status: criteria provided, single submitter. Criteria: Invitae Variant Classification Sherloc (09022015). Collection method: clinical testing. Allele origin: germline.
Comment: This sequence change creates a premature translational stop signal (p.Lys2227Phefs*7) in the TTN gene. While this is not anticipated to result in nonsense mediated decay, it is expected to create a truncated TTN protein. This variant is not present in population databases (gnomAD no frequency). This variant has not been reported in the literature in individuals affected with TTN-related conditions. ClinVar contains an entry for this variant (Variation ID: 47327). This variant is located in the I band of TTN (PMID: 25589632). Truncating variants in this region have been reported in individuals affected with autosomal recessive centronuclear myopathy (PMID: 23975875, Invitae internal data). Truncating variants in this region have also been identified in individuals affected with autosomal dominant dilated cardiomyopathy and/or cardio-related conditions (PMID: 27869827, 32964742, Invitae internal data). In summary, the currently available evidence indicates that the variant is pathogenic, but additional data are needed to prove that conclusively. Therefore, this variant has been classified as Likely Pathogenic.

Laboratory for Molecular Medicine, Mass General Brigham Personalized Medicine
Classification: Likely pathogenic for Primary dilated cardiomyopathy. Last evaluated: 2013-01-04. Review status: criteria provided, single submitter. Criteria: LMM Criteria. Collection method: clinical testing. Allele origin: germline. Inheritance: Autosomal dominant inheritance. Observed: 1 variant allele.
Comment: The Lys2227fs variant in TTN has not been reported in the literature nor previou sly identified by our laboratory. This variant is predicted to alter the protein ?s amino acid sequence beginning at position 2227 and lead to a premature termin ation codon 7 amino acids downstream. This alteration is then predicted to lead to a truncated or absent protein. Frameshift and other truncating variants are s trongly associated with DCM and the majority occur in the A-band (Herman 2012, L MM unpublished data), while this variant occurs in the I-band. In summary, the L ys2227fs variant is likely to be pathogenic, but additional studies are needed t o fully assess its clinical significance.

Literature cited by the submitters: PubMed 25589632 (cited by Labcorp Genetics (formerly Invitae), Labcorp); PubMed 23975875 (cited by Labcorp Genetics (formerly Invitae), Labcorp); PubMed 27869827 (cited by Labcorp Genetics (formerly Invitae), Labcorp); PubMed 32964742 (cited by Labcorp Genetics (formerly Invitae), Labcorp).